The following is an entry in ClinVar:

NM_000435.3(NOTCH3):c.1673G>A (p.Arg558His)

Gene: NOTCH3 (notch receptor 3; minus strand). Cytogenetic location: 19p13.12.
Variant type: single nucleotide variant.
Coding change: c.1673G>A on transcript NM_000435.3 (MANE Select); coding-DNA position 1673, G replaced by A.
Protein change: p.Arg558His; replaces arginine 558 with histidine.
Molecular consequence: missense variant.
Genome position (GRCh38, 1-based): chr19:15,187,272, C>T on the plus strand (G>A on the coding strand, the complement: NOTCH3 is on the minus strand). VCF-style: chr19-15187272-C-T. GRCh37 (hg19) VCF-style: chr19-15298083-C-T.
Other names: short protein forms R558H.
Identifiers: ClinVar variation 2161529 (VCV002161529.5), dbSNP rs544145401, ClinGen allele CA9263582.
Genomic context (GRCh38, chr19:15,187,272, plus strand): 5'-CGTGTGCCCGTGTAGCCAGGAGCACAGGCACATGAGAAGCTGGCGATGCCATCCACGCAG[C>T]GACCATGGTGGCATGGGTCAGGGGAGCAGTCGTCCACGTTGCGATCACACAGCGTGCCCT-3'
Protein context (NP_000426.2, residues 548-568): DCSPDPCHHG[Arg558His]CVDGIASFSC

ClinVar aggregate classification (germline): Conflicting classifications of pathogenicity. Review status: criteria provided, conflicting classifications (1 of 4 stars). 2 submissions from 2 submitters: Likely pathogenic (1); Likely benign (1). Last evaluated 2025-05-05.

Conditions:
Cerebral arteriopathy, autosomal dominant, with subcortical infarcts and leukoencephalopathy, type 1 (CADASIL1). Also called: CADASIL 1; CASIL; Cerebral arteriopathy with subcortical infarcts and leukoencephalopathy 1; DEMENTIA, HEREDITARY MULTIINFARCT TYPE. Identifiers: Orphanet 136, MedGen C4551768, MONDO:0000914, OMIM 125310.

Allele frequency attached by ClinVar (database versions not stated): TOPMed 0.00002; gnomAD 0.00003; 1000 Genomes Project 30x 0.00016; 1000 Genomes Project 0.00020; ExAC 0.00002.
gnomAD v4.1: 32 of 1,614,098 alleles (0.002%); highest among the groups gnomAD compares: East Asian, 0.029%; no homozygotes.

Submissions (2):

Labcorp Genetics (formerly Invitae), Labcorp
Classification: Likely benign. Last evaluated: 2025-05-05. Review status: criteria provided, single submitter. Criteria: Invitae Variant Classification Sherloc (09022015). Collection method: clinical testing. Allele origin: germline.

3billion
Classification: Likely pathogenic for Cerebral arteriopathy, autosomal dominant, with subcortical infarcts and leukoencephalopathy, type 1. Last evaluated: 2024-06-17. Review status: criteria provided, single submitter. Criteria: ACMG Guidelines, 2015. Collection method: clinical testing. Allele origin: germline. Affected: yes.
Comment: The variant is observed at an extremely low frequency in the gnomAD v4.0.0 dataset (total allele frequency: 0.002%). Predicted Consequence/Location: The variant is located in a mutational hot spot and/or well-established functional domain in which established pathogenic variants have been reported (PMID: 35822697). Missense changes are a common disease-causing mechanism. Damaging effect on gene or gene product predicted by in silico programs is uncertain [REVEL: 0.27 (damaging >=0.6, benign <0.4), 3Cnet: 0.56 (damaging >=0.6, benign <0.15)]. A different missense change at the same codon (p.Arg558Cys) has been reported as pathogenic/likely pathogenic with strong evidence (ClinVar ID: VCV000447794 /PMID: 8878478). The variant has been reported as benign without evidence for the classification (ClinVar ID: VCV002161529). Therefore, this variant is classified as Likely pathogenic according to the recommendation of ACMG/AMP guideline.

Literature cited by the submitters: PubMed 8878478 (cited by 3billion); PubMed 35822697 (cited by 3billion).